The following is an entry in ClinVar:

NM_001367624.2(ZNF469):c.4156G>A (p.Gly1386Arg)

Gene: ZNF469 (zinc finger protein 469; plus strand). Cytogenetic location: 16q24.2.
Variant type: single nucleotide variant.
Coding change: c.4156G>A on transcript NM_001367624.2 (MANE Select); coding-DNA position 4156, G replaced by A.
Protein change: p.Gly1386Arg; replaces glycine 1386 with arginine.
Molecular consequence: missense variant.
Genome position (GRCh38, 1-based): chr16:88,431,626, G>A. VCF-style: chr16-88431626-G-A. GRCh37 (hg19) VCF-style: chr16-88498034-G-A.
Other names: NM_001127464.1:c.4072G>A; p.Gly1386Arg; short protein forms G1386R.
Identifiers: ClinVar variation 1737566 (VCV001737566.5), dbSNP rs1009532853, ClinGen allele CA286375674.

ClinVar aggregate classification (germline): Uncertain significance. Review status: criteria provided, multiple submitters, no conflicts (2 of 4 stars). 3 submissions from 3 submitters: Uncertain significance (3). Last evaluated 2025-10-16.

Conditions:
Cardiovascular phenotype. Identifiers: MedGen CN230736.

Allele frequency attached by ClinVar (database versions not stated): gnomAD 0.00001; gnomAD exomes 0.00001; TOPMed 0.00001.
gnomAD v4.1: 15 of 1,550,336 alleles (0.00097%); highest among the groups gnomAD compares: East Asian, 0.0024%; no homozygotes.

Submissions (3):

Labcorp Genetics (formerly Invitae), Labcorp
Classification: Uncertain significance. Last evaluated: 2025-10-16. Review status: criteria provided, single submitter. Criteria: Invitae Variant Classification Sherloc (09022015). Collection method: clinical testing. Allele origin: germline.
Comment: This sequence change replaces glycine, which is neutral and non-polar, with arginine, which is basic and polar, at codon 1358 of the ZNF469 protein (p.Gly1358Arg). This variant is not present in population databases (gnomAD no frequency). This variant has not been reported in the literature in individuals affected with ZNF469-related conditions. ClinVar contains an entry for this variant (Variation ID: 1737566). An algorithm developed to predict the effect of missense changes on protein structure and function outputs the following: PolyPhen-2: "Possibly Damaging". The arginine amino acid residue is found in multiple mammalian species, which suggests that this missense change does not adversely affect protein function. In summary, the available evidence is currently insufficient to determine the role of this variant in disease. Therefore, it has been classified as a Variant of Uncertain Significance.

Mayo Clinic Laboratories, Mayo Clinic
Classification: Uncertain significance. Last evaluated: 2025-01-08. Review status: criteria provided, single submitter. Criteria: ACMG Guidelines, 2015. Collection method: clinical testing. Allele origin: germline. Observed: 1 variant allele.
Comment: BP4

Ambry Genetics
Classification: Uncertain significance for Cardiovascular phenotype. Last evaluated: 2024-03-25. Review status: criteria provided, single submitter. Criteria: Ambry Variant Classification Scheme 2023. Collection method: clinical testing. Allele origin: germline.